The following is an entry in ClinVar:

ClinVar aggregate classification (germline): Conflicting classifications of pathogenicity. Review status: criteria provided, conflicting classifications (1 of 4 stars). 18 submissions from 18 submitters: Uncertain significance (16); Likely benign (1). 1 of the submissions does not count toward it. Last evaluated 2026-06-15.

Conditions:
Mitochondrial DNA maintenance disorder.
Mitochondrial DNA depletion syndrome. Also called: mitochondrial DNA depletion. Identifiers: Orphanet 35698, MedGen C0342782, MONDO:0018158.
Primary progressive multiple sclerosis. Identifiers: MedGen C0751964, MONDO:0000451.
POLG-related disorder. Also called: POLG-Related Spectrum Disorders; POLG-related condition; POLG-Related Disorders. Identifiers: MedGen C4763519.
Inborn genetic diseases. Identifiers: MedGen C0950123, MeSH D030342.
Progressive sclerosing poliodystrophy (MTDPS4A). Also called: Mitochondrial DNA depletion syndrome 4A (Alpers type); Mitochondrial DNA Depletion Syndrome 4A; ALPERS PROGRESSIVE INFANTILE POLIODYSTROPHY; Alpers-Huttenlocher Syndrome; Alpers Syndrome; ALPERS DIFFUSE DEGENERATION OF CEREBRAL GRAY MATTER WITH HEPATIC CIRRHOSIS. Identifiers: Orphanet 726, MedGen C0205710, MONDO:0008758, OMIM 203700.
Mitochondrial disease. Also called: Mitochondrial disorder; Mitochondrial disorders. Identifiers: Orphanet 68380, MedGen C0751651, MeSH D028361, MONDO:0044970.
Intellectual disability. Also called: Intellectual functioning disability; intellectual disabilities; Intellectual developmental disorder. Identifiers: MedGen C3714756, MeSH D008607, MONDO:0001071, HP:0001249.

Allele frequency attached by ClinVar (database versions not stated): 1000 Genomes Project 30x 0.00016; 1000 Genomes Project 0.00020; gnomAD exomes 0.00020 and 0.00032; gnomAD 0.00023 and 0.00027; TOPMed 0.00026; ExAC 0.00046.
gnomAD v4.1: 485 of 1,575,850 alleles (0.031%); highest among the groups gnomAD compares: Non-Finnish European, 0.039%; no homozygotes.

Submissions 1 to 11 of 18:

PreventionGenetics, part of Exact Sciences
Classification: Uncertain significance for POLG-related condition. Last evaluated: 2026-06-15. Review status: criteria provided, single submitter. Criteria: ACMG Guidelines, 2015. Collection method: clinical testing. Allele origin: germline.
Comment: The POLG c.391T>C variant is predicted to result in the amino acid substitution p.Tyr131His. This variant has been reported in two individuals with mitochondrial disease; however, no evidence was provided to determine its pathogenicity (González-Vioque et al. 2006. PubMed ID: 16401742; Tang et al. 2011. PubMed ID: 21880868). This variant is reported in 0.037% of alleles in individuals of European (Non-Finnish) descent in gnomAD. At this time, the clinical significance of this variant is uncertain due to the absence of conclusive functional and genetic evidence.

Genetics Laboratory, Great Ormond Street Hospital NHS Foundation Trust, North Thames Genomic Laboratory Hub
Classification: Uncertain significance for Mitochondrial DNA maintenance disorder. Last evaluated: 2026-04-14. Review status: criteria provided, single submitter. Criteria: ACGS Best Practice Guidelines for Variant Classification in Rare Disease 2024 v1.2. Collection method: clinical testing. Allele origin: germline. Affected: yes.
Comment: PM2_moderate, PM3_moderate

Labcorp Genetics (formerly Invitae), Labcorp
Classification: Uncertain significance for Progressive sclerosing poliodystrophy. Last evaluated: 2026-01-21. Review status: criteria provided, single submitter. Criteria: Invitae Variant Classification Sherloc (09022015). Collection method: clinical testing. Allele origin: germline.
Comment: This sequence change replaces tyrosine, which is neutral and polar, with histidine, which is basic and polar, at codon 131 of the POLG protein (p.Tyr131His). This variant is present in population databases (rs562847013, gnomAD 0.04%). This missense change has been observed in individual(s) with mitochondrial myopathy and/or progressive external opthalmoplegia (PMID: 2504279, 16401742, 21880868, 39333051). ClinVar contains an entry for this variant (Variation ID: 206492). Invitae Evidence Modeling of protein sequence and biophysical properties (such as structural, functional, and spatial information, amino acid conservation, physicochemical variation, residue mobility, and thermodynamic stability) indicates that this missense variant is not expected to disrupt POLG protein function with a negative predictive value of 95%. In summary, the available evidence is currently insufficient to determine the role of this variant in disease. Therefore, it has been classified as a Variant of Uncertain Significance.

GeneDx
Classification: Uncertain significance. Last evaluated: 2025-02-14. Review status: criteria provided, single submitter. Criteria: GeneDx Variant Classification Process June 2021. Collection method: clinical testing. Allele origin: germline. Affected: yes.
Comment: Reported as an unclassified variant in an individual with a clinical presentation suggestive of POLG deficiency; additional clinical information was not provided and information regarding parental testing was not available (PMID: 21880868, 32504279); Reported as a benign variant in an individual with multiple mtDNA deletions; no clinical information was provided (PMID: 16401742); In silico analysis indicates that this missense variant does not alter protein structure/function; This variant is associated with the following publications: (PMID: 28480171, 21880868, 16401742, 32504279, 39333051)

Blueprint Genetics
Classification: Uncertain significance. Last evaluated: 2024-11-26. Review status: criteria provided, single submitter. Criteria: ACMG Guidelines, 2015. Collection method: clinical testing. Allele origin: germline.

Mayo Clinic Laboratories, Mayo Clinic
Classification: Uncertain significance. Last evaluated: 2024-09-30. Review status: criteria provided, single submitter. Criteria: ACMG Guidelines, 2015. Collection method: clinical testing. Allele origin: germline. Observed: 3 variant alleles.
Comment: BP4

CeGaT Center for Human Genetics Tuebingen
Classification: Uncertain significance. Last evaluated: 2024-04-01. Review status: criteria provided, single submitter. Criteria: CeGaT Center For Human Genetics Tuebingen Variant Classification Criteria Version 2. Collection method: clinical testing. Allele origin: germline. Affected: yes. Observed: 4 variant alleles.
Comment: POLG: PM2

Ambry Genetics
Classification: Uncertain significance for Inborn genetic diseases. Last evaluated: 2024-03-29. Review status: criteria provided, single submitter. Criteria: Ambry Variant Classification Scheme 2023. Collection method: clinical testing. Allele origin: germline.
Comment: The c.391T>C (p.Y131H) alteration is located in exon 2 (coding exon 1) of the POLG gene. This alteration results from a T to C substitution at nucleotide position 391, causing the tyrosine (Y) at amino acid position 131 to be replaced by a histidine (H). Based on data from gnomAD, the C allele has an overall frequency of 0.02% (43/217988) total alleles studied. The highest observed frequency was 0.037% (35/94380) of European (non-Finnish) alleles. This amino acid position is not well conserved in available vertebrate species. This alteration is predicted to be tolerated by in silico analysis. Based on insufficient or conflicting evidence, the clinical significance of this alteration remains unclear.

Women's Health and Genetics/Laboratory Corporation of America, LabCorp
Classification: Uncertain significance. Last evaluated: 2024-02-12. Review status: criteria provided, single submitter. Criteria: LabCorp Variant Classification Summary - May 2015. Collection method: clinical testing. Allele origin: germline.
Comment: Variant summary: POLG c.391T>C (p.Tyr131His) results in a conservative amino acid change located in the DNA mitochondrial polymerase, exonuclease domain (IPR041336) of the encoded protein sequence. Four of five in-silico tools predict a benign effect of the variant on protein function. The variant allele was found at a frequency of 0.0002 in 186608 control chromosomes, predominantly at a frequency of 0.00037 within the Non-Finnish European subpopulation in the gnomAD database. c.391T>C has been reported in the literature in the heterozygous state in an individual with clinical features suggestive of POLG deficiency and as a polymorphism in an individual diagnosed with mitochondrial disease who had multiple mtDNA deletions, however no further genotype information was provided (Gonzalez-Vioque_2006, Tang_2011). These reports do not provide unequivocal conclusions about association of the variant with POLG-Related Spectrum Disorders. To our knowledge, no experimental evidence demonstrating an impact on protein function has been reported. The following publications have been ascertained in the context of this evaluation (PMID: 16401742, 21880868). ClinVar contains an entry for this variant (Variation ID: 206492). Based on the evidence outlined above, the variant was classified as uncertain significance.

Revvity Omics, Revvity
Classification: Uncertain significance. Last evaluated: 2024-01-29. Review status: criteria provided, single submitter. Criteria: ACMG Guidelines, 2015. Collection method: clinical testing. Allele origin: germline.

Athena Diagnostics
Classification: Uncertain significance. Last evaluated: 2023-10-16. Review status: criteria provided, single submitter. Criteria: Athena Diagnostics Criteria. Collection method: clinical testing. Allele origin: unknown.
Comment: Available data are insufficient to determine the clinical significance of the variant at this time. The frequency of this variant in the general population is uninformative in assessment of its pathogenicity. Computational tools predict that this variant is not damaging.

NM_002693.3(POLG):c.391T>C (p.Tyr131His)

Genes: POLGARF (POLG alternative reading frame; minus strand), POLG (DNA polymerase gamma, catalytic subunit; minus strand). Cytogenetic location: 15q26.1.
Variant type: single nucleotide variant.
Coding change: c.391T>C on transcript NM_002693.3 (MANE Select); coding-DNA position 391, T replaced by C.
Protein change: p.Tyr131His; replaces tyrosine 131 with histidine.
Molecular consequence: missense variant.
Genome position (GRCh38, 1-based): chr15:89,333,364, A>G on the plus strand (T>C on the coding strand, the complement: POLG is on the minus strand). VCF-style: chr15-89333364-A-G. GRCh37 (hg19) VCF-style: chr15-89876595-A-G.
Other names: p.Y131H:TAC>CAC; c.391T>C, p.Tyr131His (NM_001126131.2); short protein forms Y131H.
Identifiers: ClinVar variation 206492 (VCV000206492.84), dbSNP rs562847013, ClinGen allele CA316634.
Genomic context (GRCh38, chr15:89,333,364, plus strand): 5'-GGTAGGGCAGGCTCTGCTTCTGGGCCAGGAGGCGGAAGTGCTGGTCCAGGTTGTCCCCGT[A>G]GAGGGGCGGCAGGCGCAGCTCCACGTCGGGCAAGGGCACGGCTGGCTGCCCCCAGAGCCC-3'
Protein context (NP_002684.1, residues 121-141): PDVELRLPPL[Tyr131His]GDNLDQHFRL